The following is an entry in ClinVar:

NM_000260.4(MYO7A):c.4398G>A (p.Trp1466Ter)

Gene: MYO7A (myosin VIIA; plus strand). Cytogenetic location: 11q13.5.
Variant type: single nucleotide variant.
Coding change: c.4398G>A on transcript NM_000260.4 (MANE Select); coding-DNA position 4398, G replaced by A.
Protein change: p.Trp1466Ter; replaces tryptophan 1466 with a stop codon.
Molecular consequence: nonsense.
Genome position (GRCh38, 1-based): chr11:77,197,555, G>A. VCF-style: chr11-77197555-G-A. GRCh37 (hg19) VCF-style: chr11-76908600-G-A.
Other names: c.4398G>A, p.Trp1466Ter (NM_001127180.2); c.4365G>A, p.Trp1455Ter (NM_001369365.1); short protein forms W1455*, W1466*.
Identifiers: ClinVar variation 946651 (VCV000946651.13), dbSNP rs1956759935, ClinGen allele CA381950088.

ClinVar aggregate classification (germline): Pathogenic. Review status: criteria provided, multiple submitters, no conflicts (2 of 4 stars). 3 submissions from 3 submitters: Pathogenic (3). Last evaluated 2024-04-11.

Conditions:
Usher syndrome type 1B (USH1B). Also called: Usher syndrome type IB. Identifiers: MedGen C1848638, MONDO:0700087.
Usher syndrome type 1 (USH1). Also called: RETINITIS PIGMENTOSA AND CONGENITAL DEAFNESS. Identifiers: Orphanet 231169, Orphanet 886, MedGen C1568247, MONDO:0010168, OMIM 276900.

gnomAD v4.1: 2 of 1,606,984 alleles (0.00012%); highest among the groups gnomAD compares: East Asian, 0.0045%; no homozygotes.

Submissions (3):

Natera, Inc.
Classification: Pathogenic for Usher syndrome type 1B. Last evaluated: 2024-04-11. Review status: criteria provided, single submitter. Criteria: Natera Variant Classification Schema (03/2026). Collection method: clinical testing. Allele origin: germline.
Comment: The c.4398G>A variant in MYO7A is a nonsense variant predicted to introduce a stop codon at amino acid 1466. This variant is expected to result in nonsense mediated decay, truncation, or a dysfunctional protein product. This variant is rare in the general population with a frequency below the threshold expected for the associated phenotype(s). This variant has been observed in one or more individuals affected with the associated recessive disease, as either homozygous or compound heterozygous with a second variant (PMID: 25252889). Given the available evidence, this variant is classified as Pathogenic.

Labcorp Genetics (formerly Invitae), Labcorp
Classification: Pathogenic. Last evaluated: 2023-04-12. Review status: criteria provided, single submitter. Criteria: Invitae Variant Classification Sherloc (09022015). Collection method: clinical testing. Allele origin: germline.
Comment: For these reasons, this variant has been classified as Pathogenic. ClinVar contains an entry for this variant (Variation ID: 946651). This premature translational stop signal has been observed in individual(s) with Usher syndrome type I (PMID: 25252889). It has also been observed to segregate with disease in related individuals. This variant is not present in population databases (gnomAD no frequency). This sequence change creates a premature translational stop signal (p.Trp1466*) in the MYO7A gene. It is expected to result in an absent or disrupted protein product. Loss-of-function variants in MYO7A are known to be pathogenic (PMID: 8900236, 25404053).

Juno Genomics, Hangzhou Juno Genomics, Inc
Classification: Pathogenic for Usher syndrome type 1. Review status: criteria provided, single submitter. Criteria: ACMG Guidelines, 2015. Collection method: clinical testing. Allele origin: germline. Affected: yes.
Comment: Absent from controls (or at extremely low frequency if recessive) in Genome Aggregation Database, Exome Sequencing Project, 1000 Genomes Project, or Exome Aggregation Consortium.;Null variant in a gene where loss of function (LOF) is a known mechanism of disease.;For recessive disorders, detected in trans with a pathogenic variant.;Patient's phenotype or family history is highly specific for a disease with a single genetic etiology.;Co-segregation with disease in multiple affected family members in a gene definitively known to cause the disease.

Literature cited by the submitters: PubMed 25252889 (cited by Natera, Inc. and Labcorp Genetics (formerly Invitae), Labcorp); PubMed 8900236 (cited by Labcorp Genetics (formerly Invitae), Labcorp); PubMed 25404053 (cited by Labcorp Genetics (formerly Invitae), Labcorp).